The following is an entry in ClinVar:

ClinVar aggregate classification (germline): Uncertain significance (1 of 4 stars; one submission).

gnomAD v4.1: 1 of 1,614,088 alleles (0.000062%); highest among the groups gnomAD compares: Non-Finnish European, 0.000085%; no homozygotes.

Submission:

Labcorp Genetics (formerly Invitae), Labcorp
Classification: Uncertain significance. Last evaluated: 2024-01-02. Review status: criteria provided, single submitter. Criteria: Invitae Variant Classification Sherloc (09022015). Collection method: clinical testing. Allele origin: germline.
Comment: This sequence change replaces histidine, which is basic and polar, with leucine, which is neutral and non-polar, at codon 294 of the EMC1 protein (p.His294Leu). This variant is not present in population databases (gnomAD no frequency). This variant has not been reported in the literature in individuals affected with EMC1-related conditions. Advanced modeling of protein sequence and biophysical properties (such as structural, functional, and spatial information, amino acid conservation, physicochemical variation, residue mobility, and thermodynamic stability) performed at Invitae indicates that this missense variant is not expected to disrupt EMC1 protein function with a negative predictive value of 80%. In summary, the available evidence is currently insufficient to determine the role of this variant in disease. Therefore, it has been classified as a Variant of Uncertain Significance.

NM_015047.3(EMC1):c.881A>T (p.His294Leu)

Genes: EMC1 (ER membrane protein complex subunit 1; minus strand), EMC1-AS1 (EMC1 antisense RNA 1; plus strand). Cytogenetic location: 1p36.13.
Variant type: single nucleotide variant.
Coding change: c.881A>T on transcript NM_015047.3 (MANE Select); coding-DNA position 881, A replaced by T.
Protein change: p.His294Leu; replaces histidine 294 with leucine.
Molecular consequence: missense variant.
Genome position (GRCh38, 1-based): chr1:19,239,891, T>A on the plus strand (A>T on the coding strand, the complement: EMC1 is on the minus strand). VCF-style: chr1-19239891-T-A. GRCh37 (hg19) VCF-style: chr1-19566385-T-A.
Other names: c.881A>T, p.His294Leu (NM_001375820.1, NM_001375821.1, NM_001271427.2 and 1 more transcripts); c.815A>T, p.His272Leu (NM_001271429.2); short protein forms H272L, H294L.
Identifiers: ClinVar variation 2746600 (VCV002746600.3), dbSNP rs772900959, ClinGen allele CA338768154.